The following is an entry in ClinVar:

ClinVar aggregate classification (germline): Uncertain significance. Review status: criteria provided, multiple submitters, no conflicts (2 of 4 stars). 4 submissions from 4 submitters: Uncertain significance (4). Last evaluated 2025-03-18.

Conditions:
Inborn genetic diseases. Identifiers: MedGen C0950123, MeSH D030342.

gnomAD v4.1: 18 of 1,581,712 alleles (0.0011%); highest among the groups gnomAD compares: Non-Finnish European, 0.0016%; no homozygotes.

Submissions (4):

Labcorp Genetics (formerly Invitae), Labcorp
Classification: Uncertain significance. Last evaluated: 2025-03-18. Review status: criteria provided, single submitter. Criteria: Invitae Variant Classification Sherloc (09022015). Collection method: clinical testing. Allele origin: germline.
Comment: This sequence change replaces methionine, which is neutral and non-polar, with threonine, which is neutral and polar, at codon 807 of the PLG protein (p.Met807Thr). This variant is not present in population databases (gnomAD no frequency). This variant has not been reported in the literature in individuals affected with PLG-related conditions. ClinVar contains an entry for this variant (Variation ID: 1958602). Invitae Evidence Modeling of protein sequence and biophysical properties (such as structural, functional, and spatial information, amino acid conservation, physicochemical variation, residue mobility, and thermodynamic stability) indicates that this missense variant is not expected to disrupt PLG protein function with a negative predictive value of 80%. In summary, the available evidence is currently insufficient to determine the role of this variant in disease. Therefore, it has been classified as a Variant of Uncertain Significance.

Ambry Genetics
Classification: Uncertain significance for Inborn genetic diseases. Last evaluated: 2025-01-29. Review status: criteria provided, single submitter. Criteria: Ambry Variant Classification Scheme 2023. Collection method: clinical testing. Allele origin: germline.

Women's Health and Genetics/Laboratory Corporation of America, LabCorp
Classification: Uncertain significance. Last evaluated: 2024-10-29. Review status: criteria provided, single submitter. Criteria: LabCorp Variant Classification Summary - May 2015. Collection method: clinical testing. Allele origin: germline.
Comment: Variant summary: PLG c.2420T>C (p.Met807Thr) results in a non-conservative amino acid change located in the trypsin domain (IPR001254) of the encoded protein sequence. Four of five in-silico tools predict a damaging effect of the variant on protein function. The variant allele was found at a frequency of 1.1e-05 in 1574882 control chromosomes in the gnomAD database (v4.1 dataset). This frequency is not significantly higher than estimated for a pathogenic variant in PLG causing Plasminogen Deficiency (1.1e-05 vs 0.0011), allowing no conclusion about variant significance. To our knowledge, no occurrence of c.2420T>C in individuals affected with Plasminogen Deficiency and no experimental evidence demonstrating its impact on protein function have been reported. ClinVar contains an entry for this variant (Variation ID: 1958602). Based on the evidence outlined above, the variant was classified as uncertain significance.

Mayo Clinic Laboratories, Mayo Clinic
Classification: Uncertain significance. Last evaluated: 2022-08-22. Review status: criteria provided, single submitter. Criteria: ACMG Guidelines, 2015. Collection method: clinical testing. Allele origin: germline. Observed: 1 variant allele.
Comment: PM2_supporting

NM_000301.5(PLG):c.2420T>C (p.Met807Thr)

Gene: PLG (plasminogen; plus strand). Cytogenetic location: 6q26.
Variant type: single nucleotide variant.
Coding change: c.2420T>C on transcript NM_000301.5 (MANE Select); coding-DNA position 2420, T replaced by C.
Protein change: p.Met807Thr; replaces methionine 807 with threonine.
Molecular consequence: missense variant.
Genome position (GRCh38, 1-based): chr6:160,753,048, T>C. VCF-style: chr6-160753048-T-C. GRCh37 (hg19) VCF-style: chr6-161174080-T-C.
Other names: p.Met807Thr; short protein forms M807T.
Identifiers: ClinVar variation 1958602 (VCV001958602.8), dbSNP rs773525076, ClinGen allele CA366369401.